The following is an entry in ClinVar:

NM_000059.4(BRCA2):c.1957_1966del (p.Glu653fs)

Gene: BRCA2 (BRCA2 DNA repair associated; plus strand). Cytogenetic location: 13q13.1.
Variant type: Deletion.
Coding change: c.1957_1966del on transcript NM_000059.4 (MANE Select); coding-DNA positions 1957 to 1966, 10 bases deleted (GAAGAACCAA; older notation c.1957_1966delGAAGAACCAA).
Protein change: p.Glu653fs; shifts the reading frame from glutamic acid 653.
Molecular consequence: frameshift variant.
Genome position (GRCh38, 1-based): chr13:32,336,312-32,336,321, GAAGAACCAA deleted. VCF-style (leftmost placement, unchanged base first): chr13-32336311-TGAAGAACCAA-T. GRCh37 (hg19) VCF-style: chr13-32910448-TGAAGAACCAA-T.
Other names: short protein forms E653fs.
Identifiers: ClinVar variation 820412 (VCV000820412.4), dbSNP rs1593895866, ClinGen allele CA915946978.

ClinVar aggregate classification (germline): Pathogenic (1 of 4 stars; one submission).

Conditions:
Hereditary cancer-predisposing syndrome. Also called: Neoplastic Syndromes, Hereditary; Tumor predisposition; Hereditary Cancer Syndrome; Hereditary neoplastic syndrome. Identifiers: Orphanet 140162, MedGen C0027672, MeSH D009386, MONDO:0015356.

Submission:

Ambry Genetics
Classification: Pathogenic for Hereditary cancer-predisposing syndrome. Last evaluated: 2018-10-18. Review status: criteria provided, single submitter. Criteria: Ambry Variant Classification Scheme 2023. Collection method: clinical testing. Allele origin: germline.
Comment: The c.1957_1966del10 pathogenic mutation, located in coding exon 10 of the BRCA2 gene, results from a deletion of 10 nucleotides at nucleotide positions 1957 to 1966, causing a translational frameshift with a predicted alternate stop codon (p.E653Lfs*4). This alteration is expected to result in loss of function by premature protein truncation or nonsense-mediated mRNA decay. As such, this alteration is interpreted as a disease-causing mutation.